The following is an entry in ClinVar:

NM_001113491.2(SEPTIN9):c.482C>T (p.Ala161Val)

Gene: SEPTIN9 (septin 9; plus strand). Cytogenetic location: 17q25.3.
Variant type: single nucleotide variant.
Coding change: c.482C>T on transcript NM_001113491.2 (MANE Select); coding-DNA position 482, C replaced by T.
Protein change: p.Ala161Val; replaces alanine 161 with valine.
Molecular consequence: missense variant. On other transcripts: 5 prime UTR variant (2).
Genome position (GRCh38, 1-based): chr17:77,402,464, C>T. VCF-style: chr17-77402464-C-T. GRCh37 (hg19) VCF-style: chr17-75398546-C-T.
Other names: c.-11C>T (NM_001113492.2, NM_001113494.1); c.461C>T, p.Ala154Val (NM_001113493.2); c.425C>T, p.Ala142Val (NM_001293695.2); c.428C>T, p.Ala143Val (NM_006640.5); short protein forms A142V, A143V, A154V, A161V.
Identifiers: ClinVar variation 3623644 (VCV003623644.2).
Genomic context (GRCh38, chr17:77,402,464, plus strand): 5'-AGACGCCAGAACCGGCCCCTCGGAGGACGGAGATCACCATCGTCAAACCCCAGGAGTCAG[C>T]CCACCGGAGGATGGAGCCCCCTGCCTCCAAGGTCCCCGAGGTGCCCACTGCCCCTGCCAC-3'
Protein context (NP_001106963.1, residues 151-171): EITIVKPQES[Ala161Val]HRRMEPPASK

ClinVar aggregate classification (germline): Uncertain significance (1 of 4 stars; one submission).

Submission:

Labcorp Genetics (formerly Invitae), Labcorp
Classification: Uncertain significance. Last evaluated: 2024-03-06. Review status: criteria provided, single submitter. Criteria: Invitae Variant Classification Sherloc (09022015). Collection method: clinical testing. Allele origin: germline.
Comment: This sequence change replaces alanine, which is neutral and non-polar, with valine, which is neutral and non-polar, at codon 143 of the SEPT9 protein (p.Ala143Val). This variant is not present in population databases (gnomAD no frequency). This variant has not been reported in the literature in individuals affected with SEPT9-related conditions. Advanced modeling of protein sequence and biophysical properties (such as structural, functional, and spatial information, amino acid conservation, physicochemical variation, residue mobility, and thermodynamic stability) performed at Invitae indicates that this missense variant is not expected to disrupt SEPT9 protein function with a negative predictive value of 80%. In summary, the available evidence is currently insufficient to determine the role of this variant in disease. Therefore, it has been classified as a Variant of Uncertain Significance.